The following is an entry in ClinVar:

ClinVar aggregate classification (germline): Pathogenic (1 of 4 stars; one submission).

Conditions:
Short-rib thoracic dysplasia 10 with or without polydactyly (SRTD10). Identifiers: Orphanet 474, MedGen C3810175, MONDO:0014284, OMIM 615630.
Retinitis pigmentosa 71 (RP71). Identifiers: Orphanet 791, MedGen C4225342, MONDO:0014618, OMIM 616394.

Submission:

Labcorp Genetics (formerly Invitae), Labcorp
Classification: Pathogenic for Retinitis pigmentosa 71; Short-rib thoracic dysplasia 10 with or without polydactyly. Last evaluated: 2025-09-16. Review status: criteria provided, single submitter. Criteria: Invitae Variant Classification Sherloc (09022015). Collection method: clinical testing. Allele origin: germline.
Comment: This sequence change creates a premature translational stop signal (p.Ile81Serfs*7) in the IFT172 gene. It is expected to result in an absent or disrupted protein product. Loss-of-function variants in IFT172 are known to be pathogenic (PMID: 24140113). This variant is not present in population databases (gnomAD no frequency). This variant has not been reported in the literature in individuals affected with IFT172-related conditions. Algorithms developed to predict the effect of sequence changes on RNA splicing suggest that this variant may disrupt the consensus splice site. For these reasons, this variant has been classified as Pathogenic.

Literature cited by the submitters: PubMed 24140113.

NM_015662.3(IFT172):c.241_242insG (p.Ile81fs)

Gene: IFT172 (intraflagellar transport 172; minus strand). Cytogenetic location: 2p23.3.
Variant type: Insertion.
Coding change: c.241_242insG on transcript NM_015662.3 (MANE Select); coding-DNA positions 241 to 242, G inserted.
Protein change: p.Ile81fs; shifts the reading frame from isoleucine 81.
Molecular consequence: frameshift variant.
Genome position: GRCh38 VCF-style: chr2-27485072-A-AC. GRCh37 (hg19) VCF-style: chr2-27707939-A-AC.
Other names: c.241_242insG, p.Ile81fs (NM_001410739.1); short protein forms I81fs.
Identifiers: ClinVar variation 4783939 (VCV004783939.1).